The following is an entry in ClinVar:

ClinVar aggregate classification (germline): Uncertain significance (1 of 4 stars; one submission).

Conditions:
Eichsfeld type congenital muscular dystrophy (CMYO3). Also called: Rigid spine muscular dystrophy 1; MYOPATHY, SEPN1-RELATED; SELENON-related myopathy; Congenital myopathy 3 with rigid spine. Identifiers: MedGen C0410180, MONDO:0100100, OMIM 602771.

gnomAD v4.1: 6 of 1,614,184 alleles (0.00037%); highest among the groups gnomAD compares: Non-Finnish European, 0.00051%; no homozygotes.

Submission:

Labcorp Genetics (formerly Invitae), Labcorp
Classification: Uncertain significance for Eichsfeld type congenital muscular dystrophy. Last evaluated: 2023-08-17. Review status: criteria provided, single submitter. Criteria: Invitae Variant Classification Sherloc (09022015). Collection method: clinical testing. Allele origin: germline.
Comment: In summary, the available evidence is currently insufficient to determine the role of this variant in disease. Therefore, it has been classified as a Variant of Uncertain Significance. Advanced modeling of protein sequence and biophysical properties (such as structural, functional, and spatial information, amino acid conservation, physicochemical variation, residue mobility, and thermodynamic stability) performed at Invitae indicates that this missense variant is not expected to disrupt SELENON protein function. ClinVar contains an entry for this variant (Variation ID: 2079913). This variant has not been reported in the literature in individuals affected with SELENON-related conditions. This variant is present in population databases (no rsID available, gnomAD 0.003%). This sequence change replaces isoleucine, which is neutral and non-polar, with methionine, which is neutral and non-polar, at codon 554 of the SELENON protein (p.Ile554Met).

NM_206926.2(SELENON):c.1560C>G (p.Ile520Met)

Gene: SELENON (selenoprotein N; plus strand). Cytogenetic location: 1p36.11.
Variant type: single nucleotide variant.
Coding change: c.1560C>G on transcript NM_206926.2 (MANE Select); coding-DNA position 1560, C replaced by G.
Protein change: p.Ile520Met; replaces isoleucine 520 with methionine.
Molecular consequence: missense variant.
Genome position (GRCh38, 1-based): chr1:25,815,607, C>G. VCF-style: chr1-25815607-C-G. GRCh37 (hg19) VCF-style: chr1-26142098-C-G.
Other names: c.1662C>G, p.Ile554Met (NM_020451.3); short protein forms I520M, I554M.
Identifiers: ClinVar variation 2079913 (VCV002079913.3), dbSNP rs527549188, ClinGen allele CA339121239.